The following is an entry in ClinVar:

NM_020338.4(ZMIZ1):c.2705C>G (p.Pro902Arg)

Gene: ZMIZ1 (zinc finger MIZ-type containing 1; plus strand). Cytogenetic location: 10q22.3.
Variant type: single nucleotide variant.
Coding change: c.2705C>G on transcript NM_020338.4 (MANE Select); coding-DNA position 2705, C replaced by G.
Protein change: p.Pro902Arg; replaces proline 902 with arginine.
Molecular consequence: missense variant.
Genome position (GRCh38, 1-based): chr10:79,307,441, C>G. VCF-style: chr10-79307441-C-G. GRCh37 (hg19) VCF-style: chr10-81067198-C-G.
Other names: short protein forms P902R.
Identifiers: ClinVar variation 2070944 (VCV002070944.4), dbSNP rs1346433395, ClinGen allele CA377343344.

ClinVar aggregate classification (germline): Uncertain significance (1 of 4 stars; one submission).

Submission:

Labcorp Genetics (formerly Invitae), Labcorp
Classification: Uncertain significance. Last evaluated: 2023-05-11. Review status: criteria provided, single submitter. Criteria: Invitae Variant Classification Sherloc (09022015). Collection method: clinical testing. Allele origin: germline.
Comment: This sequence change replaces proline, which is neutral and non-polar, with arginine, which is basic and polar, at codon 902 of the ZMIZ1 protein (p.Pro902Arg). This variant is not present in population databases (gnomAD no frequency). This variant has not been reported in the literature in individuals affected with ZMIZ1-related conditions. ClinVar contains an entry for this variant (Variation ID: 2070944). Advanced modeling of protein sequence and biophysical properties (such as structural, functional, and spatial information, amino acid conservation, physicochemical variation, residue mobility, and thermodynamic stability) has been performed at Invitae for this missense variant, however the output from this modeling did not meet the statistical confidence thresholds required to predict the impact of this variant on ZMIZ1 protein function. In summary, the available evidence is currently insufficient to determine the role of this variant in disease. Therefore, it has been classified as a Variant of Uncertain Significance.